The following is an entry in ClinVar:

ClinVar aggregate classification (germline): Uncertain significance (1 of 4 stars; one submission).

Submission:

Dasa
Classification: Uncertain significance. Last evaluated: 2026-06-09. Review status: criteria provided, single submitter. Criteria: DASA Assertion Criteria. Collection method: clinical testing. Allele origin: germline.
Comment: NM_181523.3(PIK3R1):c.1305A>C (p.Gln435His) is a missense variant that results in the substitution of glutamine with histidine. This variant is absent from population databases. The currently available literature and clinical evidence are not sufficient to establish a definitive association between this variant and the reported condition. Therefore, this variant is classified as a variant of uncertain significance.

NM_181523.3(PIK3R1):c.1305A>C (p.Gln435His)

Gene: PIK3R1 (phosphoinositide-3-kinase regulatory subunit 1; plus strand). Cytogenetic location: 5q13.1.
Variant type: single nucleotide variant.
Coding change: c.1305A>C on transcript NM_181523.3 (MANE Select); coding-DNA position 1305, A replaced by C.
Protein change: p.Gln435His; replaces glutamine 435 with histidine.
Molecular consequence: missense variant.
Genome position (GRCh38, 1-based): chr5:68,293,714, A>C. VCF-style: chr5-68293714-A-C. GRCh37 (hg19) VCF-style: chr5-67589542-A-C.
Other names: c.216A>C, p.Gln72His (NM_001242466.2); c.495A>C, p.Gln165His (NM_181504.4); c.405A>C, p.Gln135His (NM_181524.2); short protein forms Q135H, Q165H, Q435H, Q72H.
Identifiers: ClinVar variation 5020408 (VCV005020408.1).